The following is an entry in ClinVar:

NC_000012.12:g.121626941G>T

Genes: ORAI1 (ORAI calcium release-activated calcium modulator 1; plus strand), LOC130008987 (ATAC-STARR-seq lymphoblastoid silent region 4981; plus strand). Cytogenetic location: 12q24.31.
Variant type: single nucleotide variant.
Genome position: GRCh38 VCF-style: chr12-121626941-G-T. GRCh37 (hg19) VCF-style: chr12-122064847-G-T.
Other names: c.194G>T, p.Ser65Ile (NM_032790.4); short protein forms S65I.
Identifiers: ClinVar variation 1040490 (VCV001040490.9), dbSNP rs782424304, ClinGen allele CA244608529.

ClinVar aggregate classification (germline): Uncertain significance (1 of 4 stars; one submission).

Conditions:
Combined immunodeficiency due to ORAI1 deficiency. Also called: IMMUNODEFICIENCY 9. Identifiers: Orphanet 169090, Orphanet 317428, MedGen C2748568, MONDO:0013007, OMIM 612782.
Myopathy, tubular aggregate, 2 (TAM2). Identifiers: MedGen C4014557, MONDO:0014383, OMIM 615883.

Allele frequency attached by ClinVar (database versions not stated): TOPMed 0.00002.

Submission:

Labcorp Genetics (formerly Invitae), Labcorp
Classification: Uncertain significance for Myopathy, tubular aggregate, 2; Combined immunodeficiency due to ORAI1 deficiency. Last evaluated: 2026-01-22. Review status: criteria provided, single submitter. Criteria: Invitae Variant Classification Sherloc (09022015). Collection method: clinical testing. Allele origin: germline.
Comment: This sequence change replaces serine, which is neutral and polar, with isoleucine, which is neutral and non-polar, at codon 65 of the ORAI1 protein (p.Ser65Ile). This variant is present in population databases (rs782424304, gnomAD 0.007%). This variant has not been reported in the literature in individuals affected with ORAI1-related conditions. ClinVar contains an entry for this variant (Variation ID: 1040490). Experimental studies and prediction algorithms are not available or were not evaluated, and the functional significance of this variant is currently unknown. In summary, the available evidence is currently insufficient to determine the role of this variant in disease. Therefore, it has been classified as a Variant of Uncertain Significance.